The following is an entry in ClinVar:

NM_000868.4(HTR2C):c.770C>G (p.Pro257Arg)

Genes: HTR2C (5-hydroxytryptamine receptor 2C; plus strand), LOC126863306 (MED14-independent group 3 enhancer GRCh37_chrX:114140926-114142125; plus strand). Cytogenetic location: Xq23.
Variant type: single nucleotide variant.
Coding change: c.770C>G on transcript NM_000868.4 (MANE Select); coding-DNA position 770, C replaced by G.
Protein change: p.Pro257Arg; replaces proline 257 with arginine.
Molecular consequence: missense variant. On other transcripts: synonymous variant (1).
Genome position (GRCh38, 1-based): chrX:114,906,808, C>G. VCF-style: chrX-114906808-C-G. GRCh37 (hg19) VCF-style: chrX-114141371-C-G.
Other names: c.770C>G, p.Pro257Arg (NM_001256760.3); c.675C>G, p.Ala225= (NM_001256761.3); short protein forms P257R.
Identifiers: ClinVar variation 3354199 (VCV003354199.1).

ClinVar aggregate classification (germline): Uncertain significance (0 of 4 stars; one submission).

Conditions:
HTR2C-related disorder. Also called: HTR2C-related condition.

gnomAD v4.1: 27 of 1,208,812 alleles (0.0022%); highest among the groups gnomAD compares: East Asian, 0.077%; no homozygotes.

Submission:

PreventionGenetics, part of Exact Sciences
Classification: Uncertain significance for HTR2C-related condition. Last evaluated: 2024-05-31. Review status: no assertion criteria provided. Collection method: clinical testing. Allele origin: germline.
Comment: The HTR2C c.770C>G variant is predicted to result in the amino acid substitution p.Pro257Arg. To our knowledge, this variant has not been reported in the literature. This variant is reported in 0.014% of alleles in individuals of East Asian descent in gnomAD. At this time, the clinical significance of this variant is uncertain due to the absence of conclusive functional and genetic evidence.